The following is an entry in ClinVar:

ClinVar aggregate classification (germline): Uncertain significance (1 of 4 stars; one submission).

Submission:

Labcorp Genetics (formerly Invitae), Labcorp
Classification: Uncertain significance. Last evaluated: 2022-02-03. Review status: criteria provided, single submitter. Criteria: Invitae Variant Classification Sherloc (09022015). Collection method: clinical testing. Allele origin: germline.
Comment: Experimental studies and prediction algorithms are not available or were not evaluated, and the functional significance of this variant is currently unknown. In summary, the available evidence is currently insufficient to determine the role of this variant in disease. Therefore, it has been classified as a Variant of Uncertain Significance. ClinVar contains an entry for this variant (Variation ID: 1001200). This variant has not been reported in the literature in individuals affected with AGBL5-related conditions. This variant is not present in population databases (gnomAD no frequency). This variant, c.1441_1443del, results in the deletion of 1 amino acid(s) of the AGBL5 protein (p.Glu481del), but otherwise preserves the integrity of the reading frame.

NM_021831.6(AGBL5):c.1441_1443del (p.Glu481del)

Gene: AGBL5 (AGBL carboxypeptidase 5; plus strand). Cytogenetic location: 2p23.3.
Variant type: Deletion.
Coding change: c.1441_1443del on transcript NM_021831.6 (MANE Select); coding-DNA positions 1441 to 1443, 3 bases deleted (GAG; older notation c.1441_1443delGAG).
Protein change: p.Glu481del; deletes glutamic acid 481.
Molecular consequence: inframe deletion. On other transcripts: non-coding transcript variant (2).
Genome position (GRCh38, 1-based): chr2:27,056,698-27,056,700, GAG deleted. VCF-style (leftmost placement, unchanged base first): chr2-27056697-AGAG-A. GRCh37 (hg19) VCF-style: chr2-27279565-AGAG-A.
Other names: c.1441_1443del, p.Glu481del (NM_001035507.3); short protein forms E481del.
Identifiers: ClinVar variation 1001200 (VCV001001200.8), dbSNP rs1668447449, ClinGen allele CA1240096370.